The following is an entry in ClinVar:

ClinVar aggregate classification (germline): Conflicting classifications of pathogenicity. Review status: criteria provided, conflicting classifications (1 of 4 stars). 3 submissions from 3 submitters: Likely pathogenic (2); Uncertain significance (1). Last evaluated 2019-05-01.

Conditions:
IRF2BPL-related disorder. Also called: IRF2BPL-related condition. Identifiers: MedGen CN381093.

Submissions (3):

CeGaT Center for Human Genetics Tuebingen
Classification: Likely pathogenic. Last evaluated: 2019-05-01. Review status: criteria provided, single submitter. Criteria: CeGaT Center For Human Genetics Tuebingen Variant Classification Criteria Version 2. Collection method: clinical testing. Allele origin: germline. Affected: yes. Observed: 1 variant allele.

Undiagnosed Diseases Network, NIH
Classification: Likely pathogenic for IRF2BPL-related condition. Last evaluated: 2017-10-30. Review status: criteria provided, single submitter. Criteria: ACMG Guidelines, 2015. Collection method: clinical testing. Allele origin: de novo. Inheritance: Autosomal dominant inheritance. Affected: yes. Observed: 1 variant allele, 1 heterozygote. Study: Undiagnosed Diseases Network (NIH), UDN.

GeneDx
Classification: Uncertain significance. Last evaluated: 2017-01-10. Review status: criteria provided, single submitter. Criteria: GeneDx Variant Classification (06012015). Collection method: clinical testing. Allele origin: germline. Affected: yes.
Comment: The Y173X variant in the IRF2BPL gene has not been reported previously as a pathogenic variant nor as a benign variant, to our knowledge. This variant is predicted to cause loss of normal protein function through protein truncation. The Y173X variant was not observed in approximately 6500 individuals of European and African American ancestry in the NHLBI Exome Sequencing Project, indicating it is not a common benign variant in these populations. We interpret Y173X as a variant of uncertain significance.

NM_024496.4(IRF2BPL):c.519C>G (p.Tyr173Ter)

Gene: IRF2BPL (interferon regulatory factor 2 binding protein like; minus strand). Cytogenetic location: 14q24.3.
Variant type: single nucleotide variant.
Coding change: c.519C>G on transcript NM_024496.4 (MANE Select); coding-DNA position 519, C replaced by G.
Protein change: p.Tyr173Ter; replaces tyrosine 173 with a stop codon.
Molecular consequence: nonsense.
Genome position (GRCh38, 1-based): chr14:77,027,274, G>C on the plus strand (C>G on the coding strand, the complement: IRF2BPL is on the minus strand). VCF-style: chr14-77027274-G-C. GRCh37 (hg19) VCF-style: chr14-77493617-G-C.
Other names: short protein forms Y173*.
Identifiers: ClinVar variation 488960 (VCV000488960.47), dbSNP rs1555377415, ClinGen allele CA390499169.
Genomic context (GRCh38, chr14:77,027,274, plus strand): 5'-CAGGCCGTTGGGCAGTCGCGCGGTGTGGCTGCTGCTTCCCAGGCTCACCGGCGGTGGCGG[G>C]TACTCGAAGCGGCTGCGCTGTTCCACCGCAGCGGCGGCGGCGGCGGCGGCGGCGGCGGCA-3'